The following is an entry in ClinVar:

ClinVar aggregate classification (germline): Benign. Review status: criteria provided, multiple submitters, no conflicts (2 of 4 stars). 15 submissions from 14 submitters: Benign (12). 3 of the submissions do not count toward it. Last evaluated 2026-02-04.

Conditions:
Cardiovascular phenotype. Identifiers: MedGen CN230736.
Familial hyperaldosteronism type III. Also called: Familial hyperaldosteronism type 3; FH III. Identifiers: Orphanet 251274, MedGen C3838758, MONDO:0013359, OMIM 613677.
Long QT syndrome (LQTS). Identifiers: MedGen C0023976, MeSH D008133, MONDO:0002442. Disease mechanism: loss of function. Inheritance: Various modes of inheritance.
Long QT syndrome 13 (LQT13). Identifiers: Orphanet 101016, Orphanet 768, MedGen C3150733, MONDO:0013279, OMIM 613485.

Allele frequency attached by ClinVar (database versions not stated): gnomAD exomes 0.84036; ExAC 0.84356; gnomAD 0.84812 and 0.84854; ESP Exome Variant Server 0.84826; TOPMed 0.85313; 1000 Genomes Project 30x 0.86946; 1000 Genomes Project 0.86981.
gnomAD v4.1: 1,336,245 of 1,614,136 alleles (83%); highest among the groups gnomAD compares: African/African-American, 91%; 554,035 homozygotes.

Submissions (15):

Labcorp Genetics (formerly Invitae), Labcorp
Classification: Benign for Long QT syndrome. Last evaluated: 2026-02-04. Review status: criteria provided, single submitter. Criteria: Invitae Variant Classification Sherloc (09022015). Collection method: clinical testing. Allele origin: germline.

Blueprint Genetics
Classification: Benign. Last evaluated: 2024-11-27. Review status: criteria provided, single submitter. Criteria: ACMG Guidelines, 2015. Collection method: clinical testing. Allele origin: germline.

Women's Health and Genetics/Laboratory Corporation of America, LabCorp
Classification: Benign. Last evaluated: 2023-04-04. Review status: criteria provided, single submitter. Criteria: LabCorp Variant Classification Summary - May 2015. Collection method: clinical testing. Allele origin: germline.

Mayo Clinic Laboratories, Mayo Clinic
Classification: Benign. Last evaluated: 2022-03-09. Review status: criteria provided, single submitter. Criteria: ACMG Guidelines, 2015. Collection method: clinical testing. Allele origin: germline. Observed: 554 variant alleles.

Genome-Nilou Lab
Classification: Benign for Familial hyperaldosteronism type III. Last evaluated: 2021-08-19. Review status: criteria provided, single submitter. Criteria: ACMG Guidelines, 2015. Collection method: clinical testing. Allele origin: germline. Affected: no.

Genome-Nilou Lab
Classification: Benign for Long QT syndrome 13. Last evaluated: 2021-08-19. Review status: criteria provided, single submitter. Criteria: ACMG Guidelines, 2015. Collection method: clinical testing. Allele origin: germline. Affected: no.

Illumina Laboratory Services, Illumina
Classification: Benign for Familial hyperaldosteronism type III. Last evaluated: 2018-01-13. Review status: criteria provided, single submitter. Criteria: ICSL Variant Classification Criteria 13 December 2019. Collection method: clinical testing. Allele origin: germline.
Comment: This variant was observed in the ICSL laboratory as part of a predisposition screen in an ostensibly healthy population. It had not been previously curated by ICSL or reported in the Human Gene Mutation Database (HGMD: prior to June 1st, 2018), and was therefore a candidate for classification through an automated scoring system. Utilizing variant allele frequency, disease prevalence and penetrance estimates, and inheritance mode, an automated score was calculated to assess if this variant is too frequent to cause the disease. Based on the score and internal cut-off values, a variant classified as benign is not then subjected to further curation. The score for this variant resulted in a classification of benign for this disease.

Molecular Diagnostic Laboratory for Inherited Cardiovascular Disease, Montreal Heart Institute
Classification: Benign. Last evaluated: 2017-05-19. Review status: criteria provided, single submitter. Criteria: ACMG Guidelines, 2015. Collection method: clinical testing. Allele origin: germline. Affected: yes.

Ambry Genetics
Classification: Benign for Cardiovascular phenotype. Last evaluated: 2015-06-12. Review status: criteria provided, single submitter. Criteria: Ambry Variant Classification Scheme 2023. Collection method: clinical testing. Allele origin: germline.

GeneDx
Classification: Benign. Last evaluated: 2013-11-12. Review status: criteria provided, single submitter. Criteria: GeneDx Variant Classification (06012015). Collection method: clinical testing. Allele origin: germline. Affected: yes.
Comment: This variant is considered likely benign or benign based on one or more of the following criteria: it is a conservative change, it occurs at a poorly conserved position in the protein, it is predicted to be benign by multiple in silico algorithms, and/or has population frequency not consistent with disease.

Breakthrough Genomics
Classification: Benign. Review status: criteria provided, single submitter. Criteria: ACMG Guidelines, 2015. Collection method: not provided. Allele origin: germline. Inheritance: Autosomal dominant inheritance. Affected: yes.

PreventionGenetics, part of Exact Sciences
Classification: Benign. Review status: criteria provided, single submitter. Criteria: ACMG Guidelines, 2015. Collection method: clinical testing. Allele origin: germline.

Clinical Genetics, Academic Medical Center
Classification: Benign. Review status: no assertion criteria provided. Collection method: clinical testing. Allele origin: germline. Affected: yes. Study: VKGL Data-share Consensus. Not counted in ClinVar's aggregate classification.

Diagnostic Laboratory, Department of Genetics, University Medical Center Groningen
Classification: Benign. Review status: no assertion criteria provided. Collection method: clinical testing. Allele origin: germline. Affected: yes. Study: VKGL Data-share Consensus. Not counted in ClinVar's aggregate classification.

Joint Genome Diagnostic Labs from Nijmegen and Maastricht, Radboudumc and MUMC+
Classification: Benign. Review status: no assertion criteria provided. Collection method: clinical testing. Allele origin: germline. Affected: yes. Study: VKGL Data-share Consensus. Not counted in ClinVar's aggregate classification.

NM_000890.5(KCNJ5):c.171T>C (p.Ser57=)

Gene: KCNJ5 (potassium inwardly rectifying channel subfamily J member 5; plus strand). Cytogenetic location: 11q24.3.
Variant type: single nucleotide variant.
Coding change: c.171T>C on transcript NM_000890.5 (MANE Select); coding-DNA position 171, T replaced by C.
Protein change: p.Ser57=; no amino-acid change (serine 57 retained).
Molecular consequence: synonymous variant.
Genome position (GRCh38, 1-based): chr11:128,911,444, T>C. VCF-style: chr11-128911444-T-C. GRCh37 (hg19) VCF-style: chr11-128781339-T-C.
Other names: p.S57S:AGT>AGC; p.Ser57=; c.171T>C (LRG_333t1); c.171T>C, p.Ser57= (NM_001354169.2).
Identifiers: ClinVar variation 137990 (VCV000137990.35), dbSNP rs6590357, ClinGen allele CA291749.